The following is an entry in ClinVar:

ClinVar aggregate classification (germline): Likely benign. Review status: criteria provided, multiple submitters, no conflicts (2 of 4 stars). 3 submissions from 3 submitters: Likely benign (2). 1 of the submissions does not count toward it. Last evaluated 2025-08-12.

Conditions:
RAI1-related disorder. Also called: RAI1-related condition.

gnomAD v4.1: 22 of 1,613,634 alleles (0.0014%); highest among the groups gnomAD compares: Non-Finnish European, 0.0019%; no homozygotes.

Submissions (3):

Labcorp Genetics (formerly Invitae), Labcorp
Classification: Likely benign. Last evaluated: 2025-08-12. Review status: criteria provided, single submitter. Criteria: Invitae Variant Classification Sherloc (09022015). Collection method: clinical testing. Allele origin: germline.

Genetic Services Laboratory, University of Chicago
Classification: Likely benign. Last evaluated: 2017-05-26. Review status: criteria provided, single submitter. Criteria: ACMG Guidelines, 2015. Collection method: clinical testing. Allele origin: germline. Affected: no.

PreventionGenetics, part of Exact Sciences
Classification: Likely benign for RAI1-related condition. Last evaluated: 2019-10-24. Review status: no assertion criteria provided. Collection method: clinical testing. Allele origin: germline. Not counted in ClinVar's aggregate classification.
Comment: This variant is classified as likely benign based on ACMG/AMP sequence variant interpretation guidelines (Richards et al. 2015 PMID: 25741868, with internal and published modifications).

NM_030665.4(RAI1):c.453G>C (p.Val151=)

Gene: RAI1 (retinoic acid induced 1; plus strand). Cytogenetic location: 17p11.2.
Variant type: single nucleotide variant.
Coding change: c.453G>C on transcript NM_030665.4 (MANE Select); coding-DNA position 453, G replaced by C.
Protein change: p.Val151=; no amino-acid change (valine 151 retained).
Molecular consequence: synonymous variant.
Genome position (GRCh38, 1-based): chr17:17,793,401, G>C. VCF-style: chr17-17793401-G-C. GRCh37 (hg19) VCF-style: chr17-17696715-G-C.
Identifiers: ClinVar variation 436490 (VCV000436490.15), dbSNP rs767613627, ClinGen allele CA8418125.